The following is an entry in ClinVar:

NM_053025.4(MYLK):c.5668G>A (p.Glu1890Lys)

Genes: MYLK (myosin light chain kinase; minus strand), MYLK-AS1 (MYLK antisense RNA 1; plus strand). Cytogenetic location: 3q21.1.
Variant type: single nucleotide variant.
Coding change: c.5668G>A on transcript NM_053025.4 (MANE Select); coding-DNA position 5668, G replaced by A.
Protein change: p.Glu1890Lys; replaces glutamic acid 1890 with lysine.
Molecular consequence: missense variant.
Genome position (GRCh38, 1-based): chr3:123,614,182, C>T on the plus strand (G>A on the coding strand, the complement: MYLK is on the minus strand). VCF-style: chr3-123614182-C-T. GRCh37 (hg19) VCF-style: chr3-123333029-C-T.
Other names: c.5140G>A, p.Glu1714Lys (NM_001321309.2); c.385G>A, p.Glu129Lys (NM_001438035.1, NM_053031.4); c.5461G>A, p.Glu1821Lys (NM_053026.4); c.5515G>A, p.Glu1839Lys (NM_053027.4); c.5308G>A, p.Glu1770Lys (NM_053028.4); c.388G>A, p.Glu130Lys (NM_053032.4); short protein forms E1770K, E1821K, E1839K, E1890K, E129K, E130K, E1714K.
Identifiers: ClinVar variation 4115055 (VCV004115055.1).

ClinVar aggregate classification (germline): Uncertain significance (1 of 4 stars; one submission).

Conditions:
Familial thoracic aortic aneurysm and aortic dissection (TAAD). Also called: Thoracic aortic aneurysms and dissections. Identifiers: Orphanet 91387, MedGen C4707243, MONDO:0019625.

Submission:

Ambry Genetics
Classification: Uncertain significance for Familial thoracic aortic aneurysm and aortic dissection. Last evaluated: 2025-07-24. Review status: criteria provided, single submitter. Criteria: Ambry Variant Classification Scheme 2023. Collection method: clinical testing. Allele origin: germline.
Comment: The p.E1890K variant (also known as c.5668G>A), located in coding exon 31 of the MYLK gene, results from a G to A substitution at nucleotide position 5668. The glutamic acid at codon 1890 is replaced by lysine, an amino acid with similar properties. This amino acid position is conserved. In addition, the in silico prediction for this alteration is inconclusive. Based on the available evidence, the clinical significance of this variant remains unclear.